The following is an entry in ClinVar:

NM_002471.4(MYH6):c.4282G>C (p.Glu1428Gln)

Gene: MYH6 (myosin heavy chain 6; minus strand). Cytogenetic location: 14q11.2.
Variant type: single nucleotide variant.
Coding change: c.4282G>C on transcript NM_002471.4 (MANE Select); coding-DNA position 4282, G replaced by C.
Protein change: p.Glu1428Gln; replaces glutamic acid 1428 with glutamine.
Molecular consequence: missense variant.
Genome position (GRCh38, 1-based): chr14:23,388,232, C>G on the plus strand (G>C on the coding strand, the complement: MYH6 is on the minus strand). VCF-style: chr14-23388232-C-G. GRCh37 (hg19) VCF-style: chr14-23857441-C-G.
Other names: short protein forms E1428Q.
Identifiers: ClinVar variation 3876461 (VCV003876461.1).

ClinVar aggregate classification (germline): Uncertain significance (1 of 4 stars; one submission).

Conditions:
Cardiovascular phenotype. Identifiers: MedGen CN230736.

Submission:

Ambry Genetics
Classification: Uncertain significance for Cardiovascular phenotype. Last evaluated: 2025-02-22. Review status: criteria provided, single submitter. Criteria: Ambry Variant Classification Scheme 2023. Collection method: clinical testing. Allele origin: germline.
Comment: The p.E1428Q variant (also known as c.4282G>C), located in coding exon 28 of the MYH6 gene, results from a G to C substitution at nucleotide position 4282. The glutamic acid at codon 1428 is replaced by glutamine, an amino acid with highly similar properties. This amino acid position is conserved. In addition, the in silico prediction for this alteration is inconclusive. Based on the available evidence, the clinical significance of this variant remains unclear.